The following is an entry in ClinVar:

ClinVar aggregate classification (germline): Benign/Likely benign. Review status: criteria provided, multiple submitters, no conflicts (2 of 4 stars). 12 submissions from 12 submitters: Benign (2); Likely benign (9). 1 of the submissions does not count toward it. Last evaluated 2026-02-03.

Conditions:
POLD1-related polyposis and colorectal cancer syndrome (CRCS10). Also called: Colorectal cancer 10; COLORECTAL CANCER, SUSCEPTIBILITY TO, ON CHROMOSOME 19q; Colorectal cancer, susceptibility to, 10. Identifiers: Orphanet 220460, MedGen C2675481, MONDO:0012953, OMIM 612591.
Hereditary cancer-predisposing syndrome. Also called: Tumor predisposition; Hereditary Cancer Syndrome; Neoplastic Syndromes, Hereditary; Hereditary neoplastic syndrome. Identifiers: Orphanet 140162, MedGen C0027672, MeSH D009386, MONDO:0015356.
Malignant tumor of breast. Also called: Cancer breast; Malignant breast neoplasm. Identifiers: MedGen C0006142, MONDO:0007254. Disease mechanism: loss of function.

Allele frequency attached by ClinVar (database versions not stated): ESP Exome Variant Server 0.00008; TOPMed 0.00019; 1000 Genomes Project 30x 0.00031; 1000 Genomes Project 0.00040; gnomAD 0.00059 and 0.00061; ExAC 0.00064.
gnomAD v4.1: 733 of 1,611,626 alleles (0.045%); highest among the groups gnomAD compares: South Asian, 0.056%; no homozygotes.

Submissions (12):

Labcorp Genetics (formerly Invitae), Labcorp
Classification: Likely benign for POLD1-related polyposis and colorectal cancer syndrome. Last evaluated: 2026-02-03. Review status: criteria provided, single submitter. Criteria: Invitae Variant Classification Sherloc (09022015). Collection method: clinical testing. Allele origin: germline.

Center for Genomic Medicine, Rigshospitalet, Copenhagen University Hospital
Classification: Likely benign. Last evaluated: 2025-12-29. Review status: criteria provided, single submitter. Criteria: ACMG Guidelines, 2015. Collection method: clinical testing. Allele origin: germline.

CeGaT Center for Human Genetics Tuebingen
Classification: Likely benign. Last evaluated: 2025-10-01. Review status: criteria provided, single submitter. Criteria: CeGaT Center For Human Genetics Tuebingen Variant Classification Criteria Version 2. Collection method: clinical testing. Allele origin: germline. Affected: yes. Observed: 1 variant allele.
Comment: POLD1: BP4

Women's Health and Genetics/Laboratory Corporation of America, LabCorp
Classification: Likely benign. Last evaluated: 2025-05-03. Review status: criteria provided, single submitter. Criteria: LabCorp Variant Classification Summary - May 2015. Collection method: clinical testing. Allele origin: germline.

Blueprint Genetics
Classification: Likely benign. Last evaluated: 2024-09-16. Review status: criteria provided, single submitter. Criteria: ACMG Guidelines, 2015. Collection method: clinical testing. Allele origin: germline.

Ambry Genetics
Classification: Benign for Hereditary cancer-predisposing syndrome. Last evaluated: 2024-02-28. Review status: criteria provided, single submitter. Criteria: Ambry Variant Classification Scheme 2023. Collection method: clinical testing. Allele origin: germline.

Centre of Medical Genetics, University Hospital Muenster
Classification: Likely benign. Last evaluated: 2022-12-21. Review status: criteria provided, single submitter. Criteria: ACMG Guidelines, 2015. Collection method: clinical testing. Allele origin: unknown. Affected: yes. Observed: 1 variant allele, 1 heterozygote.
Comment: ACMG categories: BS2,BP4

Sema4
Classification: Benign for Hereditary cancer-predisposing syndrome. Last evaluated: 2021-04-23. Review status: criteria provided, single submitter. Criteria: Sema4 Curation Guidelines. Collection method: curation. Allele origin: germline.

GeneDx
Classification: Likely benign. Last evaluated: 2020-07-21. Review status: criteria provided, single submitter. Criteria: GeneDx Variant Classification Process June 2021. Collection method: clinical testing. Allele origin: germline. Affected: yes.

PreventionGenetics, part of Exact Sciences
Classification: Likely benign. Last evaluated: 2017-05-30. Review status: criteria provided, single submitter. Criteria: ACMG Guidelines, 2015. Collection method: clinical testing. Allele origin: germline.

Quest Diagnostics Nichols Institute San Juan Capistrano
Classification: Likely benign. Last evaluated: 2017-04-28. Review status: criteria provided, single submitter. Criteria: Quest Diagnostics criteria. Collection method: clinical testing. Allele origin: germline.

Department of Pathology and Laboratory Medicine, Sinai Health System
Classification: Likely benign for Malignant tumor of breast. Review status: no assertion criteria provided. Collection method: clinical testing. Allele origin: unknown. Affected: yes. Study: The Canadian Open Genetics Repository (COGR). Not counted in ClinVar's aggregate classification.
Comment: The POLD1 p.Ser194Cys variant was not identified in the literature. The variant was identified in dbSNP (ID: rs144656348) as "With Uncertain significance allele", ClinVar (classified as likely benign by Invitae, GeneDx and two other submitters; as uncertain significance by Ambry Genetics), and in LOVD 3.0 (1x) .The variant was identified in control databases in 178 of 273686 chromosomes (1 homozygous) at a frequency of 0.0007 increasing the likelihood this could be a low frequency benign variant (Genome Aggregation Database Feb 27, 2017). The variant was observed in the following populations: Other in 8 of 6358 chromosomes (freq: 0.001), Latino in 1 of 34170 chromosomes (freq: 0.00003), European in 68 of 124668 chromosomes (freq: 0.0006), European Finnish in 84 of 25520 chromosomes (freq: 0.003), and South Asian in 17 of 30346 chromosomes (freq: 0.0006), while the variant was not observed in the African, Ashkenazi Jewish, and East Asian, populations. The p.Ser194 residue is conserved in mammals but not in more distantly related organisms however computational analyses (PolyPhen-2, SIFT, AlignGVGD, BLOSUM, MutationTaster) do not suggest a high likelihood of impact to the protein; this information is not predictive enough to rule out pathogenicity. The variant occurs outside of the splicing consensus sequence and in silico or computational prediction software programs (SpliceSiteFinder, MaxEntScan, NNSPLICE, GeneSplicer) do not predict a difference in splicing. In summary, based on the above information the clinical significance of this variant cannot be determined with certainty at this time although we would lean towards a more benign role for this variant. This variant is classified as likely benign.

NM_002691.4(POLD1):c.581C>G (p.Ser194Cys)

Gene: POLD1 (DNA polymerase delta 1, catalytic subunit; plus strand). Cytogenetic location: 19q13.33.
Variant type: single nucleotide variant.
Coding change: c.581C>G on transcript NM_002691.4 (MANE Select); coding-DNA position 581, C replaced by G.
Protein change: p.Ser194Cys; replaces serine 194 with cysteine.
Molecular consequence: missense variant. On other transcripts: non-coding transcript variant (1).
Genome position (GRCh38, 1-based): chr19:50,402,116, C>G. VCF-style: chr19-50402116-C-G. GRCh37 (hg19) VCF-style: chr19-50905373-C-G.
Other names: c.581C>G, p.Ser194Cys (NM_001256849.1, NM_001308632.1); short protein forms S194C.
Identifiers: ClinVar variation 239356 (VCV000239356.38), dbSNP rs144656348, ClinGen allele CA9595802.